The following is an entry in ClinVar:

ClinVar aggregate classification (germline): Uncertain significance. Review status: criteria provided, multiple submitters, no conflicts (2 of 4 stars). 3 submissions from 3 submitters: Uncertain significance (3). Last evaluated 2025-06-23.

Conditions:
Brugada syndrome 4 (BRGDA4). Identifiers: Orphanet 130, MedGen C2678477, MONDO:0012743, OMIM 611876.
Cardiovascular phenotype. Identifiers: MedGen CN230736.

Allele frequency attached by ClinVar (database versions not stated): gnomAD exomes below 0.00001 and 0.00001; TOPMed 0.00001.
gnomAD v4.1: 18 of 1,614,104 alleles (0.0011%); highest among the groups gnomAD compares: Non-Finnish European, 0.0015%; no homozygotes.

Submissions (3):

Ambry Genetics
Classification: Uncertain significance for Cardiovascular phenotype. Last evaluated: 2025-06-23. Review status: criteria provided, single submitter. Criteria: Ambry Variant Classification Scheme 2023. Collection method: clinical testing. Allele origin: germline.
Comment: The p.P412A variant (also known as c.1234C>G), located in coding exon 12 of the CACNB2 gene, results from a C to G substitution at nucleotide position 1234. The proline at codon 412 is replaced by alanine, an amino acid with highly similar properties. This amino acid position is conserved. In addition, the in silico prediction for this alteration is inconclusive. Based on the available evidence, the clinical significance of this variant remains unclear.

Labcorp Genetics (formerly Invitae), Labcorp
Classification: Uncertain significance for Brugada syndrome 4. Last evaluated: 2024-01-17. Review status: criteria provided, single submitter. Criteria: Invitae Variant Classification Sherloc (09022015). Collection method: clinical testing. Allele origin: germline.
Comment: This sequence change replaces proline, which is neutral and non-polar, with alanine, which is neutral and non-polar, at codon 412 of the CACNB2 protein (p.Pro412Ala). This variant is present in population databases (no rsID available, gnomAD 0.0009%). This variant has not been reported in the literature in individuals affected with CACNB2-related conditions. ClinVar contains an entry for this variant (Variation ID: 1041317). Advanced modeling of protein sequence and biophysical properties (such as structural, functional, and spatial information, amino acid conservation, physicochemical variation, residue mobility, and thermodynamic stability) performed at Invitae indicates that this missense variant is expected to disrupt CACNB2 protein function with a positive predictive value of 80%. In summary, the available evidence is currently insufficient to determine the role of this variant in disease. Therefore, it has been classified as a Variant of Uncertain Significance.

AiLife Diagnostics
Classification: Uncertain significance. Last evaluated: 2021-10-04. Review status: criteria provided, single submitter. Criteria: ACMG Guidelines, 2015. Collection method: clinical testing. Allele origin: germline. Affected: yes. Observed: 1 variant allele.

NM_201596.3(CACNB2):c.1396C>G (p.Pro466Ala)

Gene: CACNB2 (calcium voltage-gated channel auxiliary subunit beta 2; plus strand). Cytogenetic location: 10p12.31.
Variant type: single nucleotide variant.
Coding change: c.1396C>G on transcript NM_201596.3 (MANE Select); coding-DNA position 1396, C replaced by G.
Protein change: p.Pro466Ala; replaces proline 466 with alanine.
Molecular consequence: missense variant.
Genome position (GRCh38, 1-based): chr10:18,538,273, C>G. VCF-style: chr10-18538273-C-G. GRCh37 (hg19) VCF-style: chr10-18827202-C-G.
Other names: c.1231C>G, p.Pro411Ala (NM_000724.4); c.1198C>G, p.Pro400Ala (NM_001167945.2); c.1117C>G, p.Pro373Ala (NM_001330060.2); c.1252C>G, p.Pro418Ala (NM_201570.3); c.1312C>G, p.Pro438Ala (NM_201571.4); c.1240C>G, p.Pro414Ala (NM_201572.4); c.1234C>G, p.Pro412Ala (NM_201590.3); c.1282C>G, p.Pro428Ala (NM_201593.3); and 2 more; short protein forms P373A, P438A, P442A, P400A, P412A, P414A, P418A, P428A.
Identifiers: ClinVar variation 1041317 (VCV001041317.10), dbSNP rs1164299168, ClinGen allele CA376070377.